The following is an entry in ClinVar:

ClinVar aggregate classification (germline): Pathogenic (1 of 4 stars; one submission).

Submission:

Labcorp Genetics (formerly Invitae), Labcorp
Classification: Pathogenic. Last evaluated: 2022-11-06. Review status: criteria provided, single submitter. Criteria: Invitae Variant Classification Sherloc (09022015). Collection method: clinical testing. Allele origin: unknown.
Comment: For these reasons, this variant has been classified as Pathogenic. This variant has not been reported in the literature in individuals affected with IFT74-related conditions. This variant is a gross deletion of the genomic region encompassing exon(s) 3-13 of the IFT74 gene. This deletion is out-of-frame, and is expected to create a premature termination codon and result in an absent or disrupted protein product. Loss-of-function variants in IFT74 are known to be pathogenic (PMID: 33531668).

Literature cited by the submitters: PubMed 33531668.

NC_000009.11:g.(?_26978106)_(27029122_?)del

Genes: IFT74 (intraflagellar transport 74; plus strand), LRRC19 (leucine rich repeat containing 19; minus strand). Cytogenetic location: 9p21.2.
Variant type: Deletion.
Identifiers: ClinVar variation 3245303 (VCV003245303.1).